The following is an entry in ClinVar:

NM_000443.4(ABCB4):c.1146G>A (p.Glu382=)

Gene: ABCB4 (ATP binding cassette subfamily B member 4; minus strand). Cytogenetic location: 7q21.12.
Variant type: single nucleotide variant.
Coding change: c.1146G>A on transcript NM_000443.4 (MANE Select); coding-DNA position 1146, G replaced by A.
Protein change: p.Glu382=; no amino-acid change (glutamic acid 382 retained).
Molecular consequence: synonymous variant.
Genome position (GRCh38, 1-based): chr7:87,443,747, C>T on the plus strand (G>A on the coding strand, the complement: ABCB4 is on the minus strand). VCF-style: chr7-87443747-C-T. GRCh37 (hg19) VCF-style: chr7-87073063-C-T.
Other names: c.1146G>A, p.Glu382= (NM_018849.3, NM_018850.3).
Identifiers: ClinVar variation 4983128 (VCV004983128.1).
Genomic context (GRCh38, chr7:87,443,747, plus strand): 5'-AGAAAAGTGAACATCATTGAACTCCAAATTCCCTTTGATGCTGTCTGGTTTGTGTCCTCT[C>T]TCTGAAAAACTGTCAATTTTAGGATTCTAAATAAAACAAAATGTAATGACTATTCCATCA-3'
Protein context (NP_000434.1, residues 372-392): DNNPKIDSFS[Glu382=]RGHKPDSIKG

ClinVar aggregate classification (germline): Likely benign (1 of 4 stars; one submission).

Conditions:
ABCB4-related disorder. Also called: ABCB4-related disorders; ABCB4-related condition.

Submission:

PreventionGenetics, part of Exact Sciences
Classification: Likely benign for ABCB4-related condition. Last evaluated: 2025-09-05. Review status: criteria provided, single submitter. Criteria: ACMG Guidelines, 2015. Collection method: clinical testing. Allele origin: germline.
Comment: This variant is classified as likely benign based on ACMG/AMP sequence variant interpretation guidelines (Richards et al. 2015 PMID: 25741868, with internal and published modifications).